The following is an entry in ClinVar:

ClinVar aggregate classification (germline): Uncertain significance. Review status: criteria provided, multiple submitters, no conflicts (2 of 4 stars). 2 submissions from 2 submitters: Uncertain significance (2). Last evaluated 2025-01-21.

Conditions:
Inborn genetic diseases. Identifiers: MedGen C0950123, MeSH D030342.

Allele frequency attached by ClinVar (database versions not stated): gnomAD exomes below 0.00001 and 0.00001; ExAC 0.00002; gnomAD 0.00002; TOPMed 0.00005.
gnomAD v4.1: 6 of 1,614,090 alleles (0.00037%); highest among the groups gnomAD compares: African/African-American, 0.0067%; no homozygotes.

Submissions (2):

Ambry Genetics
Classification: Uncertain significance for Inborn genetic diseases. Last evaluated: 2025-01-21. Review status: criteria provided, single submitter. Criteria: Ambry Variant Classification Scheme 2023. Collection method: clinical testing. Allele origin: germline.

Labcorp Genetics (formerly Invitae), Labcorp
Classification: Uncertain significance. Last evaluated: 2022-08-10. Review status: criteria provided, single submitter. Criteria: Invitae Variant Classification Sherloc (09022015). Collection method: clinical testing. Allele origin: germline.
Comment: This sequence change replaces lysine, which is basic and polar, with arginine, which is basic and polar, at codon 152 of the TYRP1 protein (p.Lys152Arg). This variant is present in population databases (rs776748208, gnomAD 0.01%). This variant has not been reported in the literature in individuals affected with TYRP1-related conditions. ClinVar contains an entry for this variant (Variation ID: 1421871). Algorithms developed to predict the effect of missense changes on protein structure and function are either unavailable or do not agree on the potential impact of this missense change (SIFT: "Tolerated"; PolyPhen-2: "Probably Damaging"; Align-GVGD: "Class C0"). In summary, the available evidence is currently insufficient to determine the role of this variant in disease. Therefore, it has been classified as a Variant of Uncertain Significance.

NM_000550.3(TYRP1):c.455A>G (p.Lys152Arg)

Gene: TYRP1 (tyrosinase related protein 1; plus strand). Cytogenetic location: 9p23.
Variant type: single nucleotide variant.
Coding change: c.455A>G on transcript NM_000550.3 (MANE Select); coding-DNA position 455, A replaced by G.
Protein change: p.Lys152Arg; replaces lysine 152 with arginine.
Molecular consequence: missense variant.
Genome position (GRCh38, 1-based): chr9:12,695,584, A>G. VCF-style: chr9-12695584-A-G. GRCh37 (hg19) VCF-style: chr9-12695584-A-G.
Other names: c.455A>G (NM_000550.2); short protein forms K152R.
Identifiers: ClinVar variation 1421871 (VCV001421871.6), dbSNP rs776748208, ClinGen allele CA4985234.